The following is an entry in ClinVar:

ClinVar aggregate classification (germline): Pathogenic (1 of 4 stars; one submission).

gnomAD v4.1: 1 of 1,614,064 alleles (0.000062%); highest among the groups gnomAD compares: Non-Finnish European, 0.000085%; no homozygotes.

Submission:

Labcorp Genetics (formerly Invitae), Labcorp
Classification: Pathogenic. Last evaluated: 2022-10-17. Review status: criteria provided, single submitter. Criteria: Invitae Variant Classification Sherloc (09022015). Collection method: clinical testing. Allele origin: germline.
Comment: This sequence change creates a premature translational stop signal (p.Tyr649*) in the LIFR gene. It is expected to result in an absent or disrupted protein product. Loss-of-function variants in LIFR are known to be pathogenic (PMID: 14740318). This variant is not present in population databases (gnomAD no frequency). This variant has not been reported in the literature in individuals affected with LIFR-related conditions. Algorithms developed to predict the effect of sequence changes on RNA splicing suggest that this variant may disrupt the consensus splice site. For these reasons, this variant has been classified as Pathogenic.

Literature cited by the submitters: PubMed 14740318.

NM_001127671.2(LIFR):c.1947C>G (p.Tyr649Ter)

Gene: LIFR (LIF receptor subunit alpha; minus strand). Cytogenetic location: 5p13.1.
Variant type: single nucleotide variant.
Coding change: c.1947C>G on transcript NM_001127671.2 (MANE Select); coding-DNA position 1947, C replaced by G.
Protein change: p.Tyr649Ter; replaces tyrosine 649 with a stop codon.
Molecular consequence: nonsense.
Genome position (GRCh38, 1-based): chr5:38,493,724, G>C on the plus strand (C>G on the coding strand, the complement: LIFR is on the minus strand). VCF-style: chr5-38493724-G-C. GRCh37 (hg19) VCF-style: chr5-38493826-G-C.
Other names: c.1947C>G, p.Tyr649Ter (NM_001364297.2, NM_001364298.2, NM_002310.6); short protein forms Y649*.
Identifiers: ClinVar variation 2034928 (VCV002034928.4), dbSNP rs373965624, ClinGen allele CA359539151.